The following is an entry in ClinVar:

ClinVar aggregate classification (germline): Uncertain significance (1 of 4 stars; one submission).

Conditions:
Multiple endocrine neoplasia, type 1 (MEN1). Also called: MEN I; WERMER SYNDROME; Endocrine adenomatosis multiple; MEN 1; MEA I. Identifiers: Orphanet 652, MedGen C0025267, MeSH D018761, MONDO:0007540, OMIM 131100.

Submission:

Labcorp Genetics (formerly Invitae), Labcorp
Classification: Uncertain significance for Multiple endocrine neoplasia, type 1. Last evaluated: 2021-02-14. Review status: criteria provided, single submitter. Criteria: Invitae Variant Classification Sherloc (09022015). Collection method: clinical testing. Allele origin: germline.
Comment: In summary, the available evidence is currently insufficient to determine the role of this variant in disease. Therefore, it has been classified as a Variant of Uncertain Significance. Advanced modeling of protein sequence and biophysical properties (such as structural, functional, and spatial information, amino acid conservation, physicochemical variation, residue mobility, and thermodynamic stability) performed at Invitae indicates that this missense variant is expected to disrupt MEN1 protein function. This variant has not been reported in the literature in individuals with MEN1-related conditions. This variant is not present in population databases (ExAC no frequency). This sequence change replaces isoleucine with leucine at codon 125 of the MEN1 protein (p.Ile125Leu). The isoleucine residue is highly conserved and there is a small physicochemical difference between isoleucine and leucine.

NM_001370259.2(MEN1):c.373A>T (p.Ile125Leu)

Gene: MEN1 (menin 1; minus strand). Cytogenetic location: 11q13.1.
Variant type: single nucleotide variant.
Coding change: c.373A>T on transcript NM_001370259.2 (MANE Select); coding-DNA position 373, A replaced by T.
Protein change: p.Ile125Leu; replaces isoleucine 125 with leucine.
Molecular consequence: missense variant.
Genome position (GRCh38, 1-based): chr11:64,809,737, T>A on the plus strand (A>T on the coding strand, the complement: MEN1 is on the minus strand). VCF-style: chr11-64809737-T-A. GRCh37 (hg19) VCF-style: chr11-64577209-T-A.
Other names: c.373A>T, p.Ile125Leu (NM_000244.4, NM_001370251.2, NM_001370260.2 and 9 more transcripts); short protein forms I125L.
Identifiers: ClinVar variation 1409059 (VCV001409059.8), dbSNP rs1941982271, ClinGen allele CA381187303.